The following is an entry in ClinVar:

ClinVar aggregate classification (germline): Uncertain significance (1 of 4 stars; one submission).

Submission:

Clinical Genomics Laboratory, Washington University in St. Louis
Classification: Uncertain significance. Last evaluated: 2024-09-03. Review status: criteria provided, single submitter. Criteria: ACMG Guidelines, 2015. Collection method: clinical testing. Allele origin: germline.
Comment: The PIK3R4 c.319C>T (p. Arg107*) variant, to our knowledge, has not been reported in the medical literature. This variant is only observed on 2 out of 282,858 alleles in the general population (gnomAD v.2.1.1), indicating it is not a common variant. This variant is predicted to result in nonsense mediated decay, but loss of function is not the known disease mechanism. Due to limited information, the clinical significance of this variant is uncertain.

NM_014602.3(PIK3R4):c.319C>T (p.Arg107Ter)

Gene: PIK3R4 (phosphoinositide-3-kinase regulatory subunit 4; minus strand). Cytogenetic location: 3q22.1.
Variant type: single nucleotide variant.
Coding change: c.319C>T on transcript NM_014602.3 (MANE Select); coding-DNA position 319, C replaced by T.
Protein change: p.Arg107Ter; replaces arginine 107 with a stop codon.
Molecular consequence: nonsense.
Genome position (GRCh38, 1-based): chr3:130,744,900, G>A on the plus strand (C>T on the coding strand, the complement: PIK3R4 is on the minus strand). VCF-style: chr3-130744900-G-A. GRCh37 (hg19) VCF-style: chr3-130463744-G-A.
Other names: short protein forms R107*.
Identifiers: ClinVar variation 3600379 (VCV003600379.1).